The following is an entry in ClinVar:

ClinVar aggregate classification (germline): Conflicting classifications of pathogenicity. Review status: criteria provided, conflicting classifications (1 of 4 stars). 4 submissions from 4 submitters: Likely pathogenic (1); Uncertain significance (3). Last evaluated 2025-09-08.

Conditions:
ZNF408-related disorder. Also called: ZNF408-related condition.

Allele frequency attached by ClinVar (database versions not stated): gnomAD 0.00001; gnomAD exomes 0.00001 and 0.00002; ExAC 0.00002; TOPMed 0.00002.
gnomAD v4.1: 19 of 1,612,954 alleles (0.0012%); highest among the groups gnomAD compares: Admixed American, 0.012%; no homozygotes.

Submissions (4):

Labcorp Genetics (formerly Invitae), Labcorp
Classification: Uncertain significance. Last evaluated: 2025-09-08. Review status: criteria provided, single submitter. Criteria: Invitae Variant Classification Sherloc (09022015). Collection method: clinical testing. Allele origin: germline.
Comment: This sequence change replaces arginine, which is basic and polar, with cysteine, which is neutral and slightly polar, at codon 448 of the ZNF408 protein (p.Arg448Cys). This variant is present in population databases (rs750447937, gnomAD 0.009%). This missense change has been observed in individuals with clinical features of autosomal recessive retinitis pigmentosa (PMID: 28157192; internal data). ClinVar contains an entry for this variant (Variation ID: 939848). An algorithm developed to predict the effect of missense changes on protein structure and function (PolyPhen-2) suggests that this variant is likely to be disruptive. In summary, the available evidence is currently insufficient to determine the role of this variant in disease. Therefore, it has been classified as a Variant of Uncertain Significance.

PreventionGenetics, part of Exact Sciences
Classification: Uncertain significance for ZNF408-related condition. Last evaluated: 2025-06-27. Review status: criteria provided, single submitter. Criteria: ACMG Guidelines, 2015. Collection method: clinical testing. Allele origin: germline.
Comment: The ZNF408 c.1342C>T variant is predicted to result in the amino acid substitution p.Arg448Cys. This variant was reported, in the heterozygous state along with a protein-truncating variant in the same gene, in an individual with retinitis pigmentosa (Bravo-Gil et al. 2017. PubMed ID: 28157192). This variant is reported in 0.012% of alleles in individuals of Latino descent in gnomAD. At this time, the clinical significance of this variant is uncertain due to the absence of conclusive functional and genetic evidence.

GeneDx
Classification: Uncertain significance. Last evaluated: 2022-12-02. Review status: criteria provided, single submitter. Criteria: GeneDx Variant Classification Process June 2021. Collection method: clinical testing. Allele origin: germline. Affected: yes.
Comment: Observed with a second ZNF408 variant in a patient with retinitis pigmentosa but it is not known whether the variants occurred on the same (in cis) or on different (in trans) chromosomes (Bravo-Gil N et al., 2017); In silico analysis supports that this missense variant has a deleterious effect on protein structure/function; This variant is associated with the following publications: (PMID: 28157192)

Blueprint Genetics
Classification: Likely pathogenic for ZNF408-related disorders. Last evaluated: 2022-08-25. Review status: criteria provided, single submitter. Criteria: ACMG Guidelines, 2015. Collection method: clinical testing. Allele origin: germline. Affected: yes. Observed: 3 variant alleles.

Literature cited by the submitters: PubMed 28157192 (cited by Labcorp Genetics (formerly Invitae), Labcorp).

NM_024741.3(ZNF408):c.1342C>T (p.Arg448Cys)

Gene: ZNF408 (zinc finger protein 408; plus strand). Cytogenetic location: 11p11.2.
Variant type: single nucleotide variant.
Coding change: c.1342C>T on transcript NM_024741.3 (MANE Select); coding-DNA position 1342, C replaced by T.
Protein change: p.Arg448Cys; replaces arginine 448 with cysteine.
Molecular consequence: missense variant.
Genome position (GRCh38, 1-based): chr11:46,705,042, C>T. VCF-style: chr11-46705042-C-T. GRCh37 (hg19) VCF-style: chr11-46726592-C-T.
Other names: c.1318C>T, p.Arg440Cys (NM_001184751.2); short protein forms R440C, R448C.
Identifiers: ClinVar variation 939848 (VCV000939848.10), dbSNP rs750447937, ClinGen allele CA5966545.